The following is an entry in ClinVar:

NM_004168.4(SDHA):c.1192G>C (p.Glu398Gln)

Gene: SDHA (succinate dehydrogenase complex flavoprotein subunit A; plus strand). Cytogenetic location: 5p15.33.
Variant type: single nucleotide variant.
Coding change: c.1192G>C on transcript NM_004168.4 (MANE Select); coding-DNA position 1192, G replaced by C.
Protein change: p.Glu398Gln; replaces glutamic acid 398 with glutamine.
Molecular consequence: missense variant.
Genome position (GRCh38, 1-based): chr5:235,271, G>C. VCF-style: chr5-235271-G-C. GRCh37 (hg19) VCF-style: chr5-235386-G-C.
Other names: c.1048G>C, p.Glu350Gln (NM_001294332.2); c.1192G>C, p.Glu398Gln (NM_001330758.2); short protein forms E350Q, E398Q.
Identifiers: ClinVar variation 4161204 (VCV004161204.1).
Genomic context (GRCh38, chr5:235,271, plus strand): 5'-ACGCGCCTGCCTGGCATTTCAGAGACAGCCATGATCTTCGCTGGCGTGGACGTCACGAAG[G>C]AGCCGATCCCTGTCCTCCCCACCGTGCATTATAACATGGGCGGCATTCCCACCAACTACA-3'
Protein context (NP_004159.2, residues 388-408): MIFAGVDVTK[Glu398Gln]PIPVLPTVHY

ClinVar aggregate classification (germline): Uncertain significance (1 of 4 stars; one submission).

Conditions:
Hereditary cancer-predisposing syndrome. Also called: Neoplastic Syndromes, Hereditary; Tumor predisposition; Hereditary Cancer Syndrome; Hereditary neoplastic syndrome. Identifiers: Orphanet 140162, MedGen C0027672, MeSH D009386, MONDO:0015356.

Submission:

Ambry Genetics
Classification: Uncertain significance for Hereditary cancer-predisposing syndrome. Last evaluated: 2025-08-29. Review status: criteria provided, single submitter. Criteria: Ambry Variant Classification Scheme 2023. Collection method: clinical testing. Allele origin: germline.
Comment: The p.E398Q variant (also known as c.1192G>C), located in coding exon 9 of the SDHA gene, results from a G to C substitution at nucleotide position 1192. The glutamic acid at codon 398 is replaced by glutamine, an amino acid with highly similar properties. This amino acid position is conserved. In addition, the in silico prediction for this alteration is inconclusive. Based on the available evidence, the clinical significance of this variant remains unclear.